The following is an entry in ClinVar:

NM_004320.6(ATP2A1):c.527A>T (p.Asp176Val)

Gene: ATP2A1 (ATPase sarcoplasmic/endoplasmic reticulum Ca2+ transporting 1; plus strand). Cytogenetic location: 16p11.2.
Variant type: single nucleotide variant.
Coding change: c.527A>T on transcript NM_004320.6 (MANE Select); coding-DNA position 527, A replaced by T.
Protein change: p.Asp176Val; replaces aspartic acid 176 with valine.
Molecular consequence: missense variant.
Genome position (GRCh38, 1-based): chr16:28,884,638, A>T. VCF-style: chr16-28884638-A-T. GRCh37 (hg19) VCF-style: chr16-28895959-A-T.
Other names: c.152A>T, p.Asp51Val (NM_001286075.2); c.527A>T, p.Asp176Val (NM_173201.5); c.527A>T (NM_173201.3); short protein forms D176V, D51V.
Identifiers: ClinVar variation 1449767 (VCV001449767.11), dbSNP rs1263551630, ClinGen allele CA395401671.

ClinVar aggregate classification (germline): Uncertain significance. Review status: criteria provided, multiple submitters, no conflicts (2 of 4 stars). 3 submissions from 3 submitters: Uncertain significance (3). Last evaluated 2025-03-21.

Conditions:
Inborn genetic diseases. Identifiers: MedGen C0950123, MeSH D030342.
Brody myopathy. Also called: BRODY DISEASE. Identifiers: Orphanet 53347, MedGen C1832918, MONDO:0010977, OMIM 601003.

Allele frequency attached by ClinVar (database versions not stated): gnomAD exomes below 0.00001; TOPMed below 0.00001.
gnomAD v4.1: 2 of 1,613,480 alleles (0.00012%); highest among the groups gnomAD compares: East Asian, 0.0045%; no homozygotes.

Submissions (3):

Ambry Genetics
Classification: Uncertain significance for Inborn genetic diseases. Last evaluated: 2025-03-21. Review status: criteria provided, single submitter. Criteria: Ambry Variant Classification Scheme 2023. Collection method: clinical testing. Allele origin: germline.

Labcorp Genetics (formerly Invitae), Labcorp
Classification: Uncertain significance for Brody myopathy. Last evaluated: 2021-08-27. Review status: criteria provided, single submitter. Criteria: Invitae Variant Classification Sherloc (09022015). Collection method: clinical testing. Allele origin: germline.
Comment: This sequence change replaces aspartic acid with valine at codon 176 of the ATP2A1 protein (p.Asp176Val). The aspartic acid residue is moderately conserved and there is a large physicochemical difference between aspartic acid and valine. This variant is not present in population databases (ExAC no frequency). This variant has not been reported in the literature in individuals affected with ATP2A1-related conditions. Algorithms developed to predict the effect of missense changes on protein structure and function are either unavailable or do not agree on the potential impact of this missense change (SIFT: "Deleterious"; PolyPhen-2: "Possibly Damaging"; Align-GVGD: "Class C0"). In summary, the available evidence is currently insufficient to determine the role of this variant in disease. Therefore, it has been classified as a Variant of Uncertain Significance.

Revvity Omics, Revvity
Classification: Uncertain significance for Brody myopathy. Last evaluated: 2020-11-04. Review status: criteria provided, single submitter. Criteria: ACMG Guidelines, 2015. Collection method: clinical testing. Allele origin: germline.